The following is an entry in ClinVar:

ClinVar aggregate classification (germline): Uncertain significance (1 of 4 stars; one submission).

Allele frequency attached by ClinVar (database versions not stated): TOPMed 0.00001.

Submission:

GeneDx
Classification: Uncertain significance. Last evaluated: 2025-08-12. Review status: criteria provided, single submitter. Criteria: GeneDx Variant Classification Process June 2021. Collection method: clinical testing. Allele origin: germline. Affected: yes.
Comment: Not observed at significant frequency in large population cohorts (gnomAD); In silico analysis supports that this missense variant has a deleterious effect on protein structure/function; Has not been previously published as pathogenic or benign to our knowledge

NM_014991.6(WDFY3):c.1690G>A (p.Ala564Thr)

Gene: WDFY3 (WD repeat and FYVE domain containing 3; minus strand). Cytogenetic location: 4q21.23.
Variant type: single nucleotide variant.
Coding change: c.1690G>A on transcript NM_014991.6 (MANE Select); coding-DNA position 1690, G replaced by A.
Protein change: p.Ala564Thr; replaces alanine 564 with threonine.
Molecular consequence: missense variant.
Genome position (GRCh38, 1-based): chr4:84,820,088, C>T on the plus strand (G>A on the coding strand, the complement: WDFY3 is on the minus strand). VCF-style: chr4-84820088-C-T. GRCh37 (hg19) VCF-style: chr4-85741241-C-T.
Other names: short protein forms A564T.
Identifiers: ClinVar variation 2504318 (VCV002504318.2), dbSNP rs1753841587, ClinGen allele CA357570934.
Genomic context (GRCh38, chr4:84,820,088, plus strand): 5'-AGAAGATGTAATCAGTGGTAATCTCCCAAAGTATTTGCTTGCAGCTTTTTAAATTACCTG[C>T]ATTTGTGTTTGATCCTTGAAGAAGCACTGTCAAGGTCTCCATAACCAATAAAGCCAGGTG-3'
Protein context (NP_055806.2, residues 554-574): TVLLQGSNTN[Ala564Thr]GIFREFGGAR